The following is an entry in ClinVar:

ClinVar aggregate classification (germline): Conflicting classifications of pathogenicity. Review status: criteria provided, conflicting classifications (1 of 4 stars). 3 submissions from 3 submitters: Uncertain significance (2); Likely benign (1). Last evaluated 2023-03-23.

Conditions:
Hereditary breast ovarian cancer syndrome. Also called: Breast and ovarian cancer; Hereditary breast and/or ovarian cancer syndrome; Hereditary breast and ovarian cancer; Hereditary breast and ovarian cancer syndrome (HBOC); BRCA1- and BRCA2-Associated Hereditary Breast and Ovarian Cancer; Hereditary breast and ovarian cancer syndrome. Identifiers: Orphanet 145, MedGen C0677776, MeSH D061325, MONDO:0003582. Disease mechanism: loss of function.
Hereditary cancer-predisposing syndrome. Also called: Hereditary Cancer Syndrome; Neoplastic Syndromes, Hereditary; Tumor predisposition; Hereditary neoplastic syndrome. Identifiers: Orphanet 140162, MedGen C0027672, MeSH D009386, MONDO:0015356.

Allele frequency attached by ClinVar (database versions not stated): gnomAD exomes below 0.00001.
gnomAD v4.1: 1 of 1,614,020 alleles (0.000062%); highest among the groups gnomAD compares: Non-Finnish European, 0.000085%; no homozygotes.

Submissions (3):

University of Washington Department of Laboratory Medicine, University of Washington
Classification: Likely benign for Hereditary cancer-predisposing syndrome. Last evaluated: 2023-03-23. Review status: criteria provided, single submitter. Criteria: Dines et al. (Genet Med. 2020). Collection method: curation. Allele origin: germline.
Comment: Missense variant in a coldspot region where missense variants are very unlikely to be pathogenic (PMID:31911673).

BRCA1 coldspot (exon 11 using historical exon numbering). Reclassification based on statistical prior probability

Labcorp Genetics (formerly Invitae), Labcorp
Classification: Uncertain significance for Hereditary breast ovarian cancer syndrome. Last evaluated: 2021-06-15. Review status: criteria provided, single submitter. Criteria: Invitae Variant Classification Sherloc (09022015). Collection method: clinical testing. Allele origin: germline.
Comment: This sequence change replaces proline with threonine at codon 497 of the BRCA1 protein (p.Pro497Thr). The proline residue is moderately conserved and there is a small physicochemical difference between proline and threonine. This variant is not present in population databases (ExAC no frequency). This variant has not been reported in the literature in individuals with BRCA1-related conditions. ClinVar contains an entry for this variant (Variation ID: 489707). Algorithms developed to predict the effect of missense changes on protein structure and function are either unavailable or do not agree on the potential impact of this missense change (SIFT: "Tolerated"; PolyPhen-2: "Possibly Damaging"; Align-GVGD: "Class C0"). In summary, the available evidence is currently insufficient to determine the role of this variant in disease. Therefore, it has been classified as a Variant of Uncertain Significance.

Color Diagnostics, LLC DBA Color Health
Classification: Uncertain significance for Hereditary cancer-predisposing syndrome. Last evaluated: 2019-01-04. Review status: criteria provided, single submitter. Criteria: ACMG Guidelines, 2015. Collection method: clinical testing. Allele origin: germline.

NM_007294.4(BRCA1):c.1489C>A (p.Pro497Thr)

Gene: BRCA1 (BRCA1 DNA repair associated; minus strand). Cytogenetic location: 17q21.31.
Variant type: single nucleotide variant.
Coding change: c.1489C>A on transcript NM_007294.4 (MANE Select); coding-DNA position 1489, C replaced by A.
Protein change: p.Pro497Thr; replaces proline 497 with threonine.
Molecular consequence: missense variant. On other transcripts: intron variant (137).
Genome position (GRCh38, 1-based): chr17:43,094,042, G>T on the plus strand (C>A on the coding strand, the complement: BRCA1 is on the minus strand). VCF-style: chr17-43094042-G-T. GRCh37 (hg19) VCF-style: chr17-41246059-G-T.
Other names: c.1348C>A, p.Pro450Thr (NM_001407733.1, NM_001407734.1, NM_001407735.1 and 29 more transcripts); c.670+1804C>A (NM_001408420.1, NM_001408423.1, NM_001408419.1 and 2 more transcripts); c.787+702C>A (NM_001408472.1, NM_001407990.1, NM_007299.4 and 19 more transcripts); c.1276C>A, p.Pro426Thr (NM_001407571.1, NM_001407853.1, NM_001407894.1 and 9 more transcripts); c.1489C>A, p.Pro497Thr (NM_001407581.1, NM_001407582.1, NM_001407583.1 and 30 more transcripts); c.1486C>A, p.Pro496Thr (NM_001407587.1, NM_001407590.1, NM_001407591.1 and 22 more transcripts); c.1480C>A, p.Pro494Thr (NM_001407646.1, NM_001407647.1); c.1366C>A, p.Pro456Thr (NM_001407648.1, NM_001407664.1, NM_001407665.1 and 19 more transcripts); and 40 more; short protein forms P497T, P450T, P385T, P426T, P427T, P471T, P494T, P329T.
Identifiers: ClinVar variation 489707 (VCV000489707.17), dbSNP rs1555591695, ClinGen allele CA10599070.